The following is an entry in ClinVar:

ClinVar aggregate classification (germline): Uncertain significance (1 of 4 stars; one submission).

Allele frequency attached by ClinVar (database versions not stated): gnomAD 0.00001; gnomAD exomes 0.00001; TOPMed 0.00001.
gnomAD v4.1: 9 of 1,558,556 alleles (0.00058%); highest among the groups gnomAD compares: African/African-American, 0.0014%; no homozygotes.

Submission:

Labcorp Genetics (formerly Invitae), Labcorp
Classification: Uncertain significance. Last evaluated: 2022-03-10. Review status: criteria provided, single submitter. Criteria: Invitae Variant Classification Sherloc (09022015). Collection method: clinical testing. Allele origin: germline.
Comment: In summary, the available evidence is currently insufficient to determine the role of this variant in disease. Therefore, it has been classified as a Variant of Uncertain Significance. Algorithms developed to predict the effect of missense changes on protein structure and function output the following: SIFT: "Tolerated"; PolyPhen-2: "Benign"; Align-GVGD: "Class C0". The alanine amino acid residue is found in multiple mammalian species, which suggests that this missense change does not adversely affect protein function. This variant has not been reported in the literature in individuals affected with TNK2-related conditions. This variant is not present in population databases (gnomAD no frequency). This sequence change replaces valine, which is neutral and non-polar, with alanine, which is neutral and non-polar, at codon 657 of the TNK2 protein (p.Val657Ala).

NM_001382273.1(TNK2):c.1781T>C (p.Val594Ala)

Gene: TNK2 (tyrosine kinase non receptor 2; minus strand). Cytogenetic location: 3q29.
Variant type: single nucleotide variant.
Coding change: c.1781T>C on transcript NM_001382273.1 (MANE Select); coding-DNA position 1781, T replaced by C.
Protein change: p.Val594Ala; replaces valine 594 with alanine.
Molecular consequence: missense variant. On other transcripts: non-coding transcript variant (15).
Genome position (GRCh38, 1-based): chr3:195,868,517, A>G on the plus strand (T>C on the coding strand, the complement: TNK2 is on the minus strand). VCF-style: chr3-195868517-A-G. GRCh37 (hg19) VCF-style: chr3-195595388-A-G.
Other names: c.1853T>C, p.Val618Ala (NM_001010938.2, NM_001382272.1); c.1832T>C, p.Val611Ala (NM_001308046.2, NM_001382271.1); c.1781T>C, p.Val594Ala (NM_001382274.1, NM_001387716.1, NM_001387717.1 and 1 more transcripts); c.1877T>C, p.Val626Ala (NM_001382275.1, NM_001387707.1); c.1736T>C, p.Val579Ala (NM_001386164.1, NM_001387709.1, NM_001387710.1 and 8 more transcripts); c.1808T>C, p.Val603Ala (NM_001387708.1, NM_001387715.1); short protein forms V603A, V611A, V618A, V579A, V594A, V626A.
Identifiers: ClinVar variation 2145008 (VCV002145008.4), dbSNP rs941740281, ClinGen allele CA90751182.